The following is an entry in ClinVar:

ClinVar aggregate classification (germline): Pathogenic/Likely pathogenic. Review status: criteria provided, multiple submitters, no conflicts (2 of 4 stars). 4 submissions from 4 submitters: Pathogenic (1); Likely pathogenic (1). 2 of the submissions do not count toward it. Last evaluated 2024-03-15.

Conditions:
Fanconi anemia (FA). Also called: Fanconi's anemia. Identifiers: Orphanet 84, MedGen C0015625, MeSH D005199, MONDO:0019391.
Fanconi anemia complementation group A (FANCA). Also called: FANCA-Related Fanconi Anemia; Fanconi anemia, group A. Identifiers: Orphanet 84, MedGen C3469521, MONDO:0009215, OMIM 227650.

Allele frequency attached by ClinVar (database versions not stated): gnomAD exomes below 0.00001; gnomAD 0.00001.

Submissions (4):

Labcorp Genetics (formerly Invitae), Labcorp
Classification: Pathogenic for Fanconi anemia. Last evaluated: 2024-03-15. Review status: criteria provided, single submitter. Criteria: Invitae Variant Classification Sherloc (09022015). Collection method: clinical testing. Allele origin: germline.
Comment: This sequence change creates a premature translational stop signal (p.Glu648Aspfs*13) in the FANCA gene. It is expected to result in an absent or disrupted protein product. Loss-of-function variants in FANCA are known to be pathogenic (PMID: 19367192). This variant is not present in population databases (gnomAD no frequency). This premature translational stop signal has been observed in individual(s) with Fanconi anemia (PMID: 9371798). ClinVar contains an entry for this variant (Variation ID: 555461). For these reasons, this variant has been classified as Pathogenic.

MGZ Medical Genetics Center
Classification: Likely pathogenic for Fanconi anemia complementation group A. Last evaluated: 2021-12-27. Review status: criteria provided, single submitter. Criteria: ACMG Guidelines, 2015. Collection method: clinical testing. Allele origin: germline. Affected: yes. Observed: 1 variant allele.
Comment: ACMG criteria applied: PVS1, PM2_SUP

Leiden Open Variation Database
Classification: Pathogenic for Fanconi anemia complementation group A. Last evaluated: 2020-02-28. Review status: no assertion criteria provided. Collection method: curation. Allele origin: germline. Affected: yes. Not counted in ClinVar's aggregate classification.
Comment: Curator: Arleen D. Auerbach. Submitter to LOVD: Arleen D. Auerbach.

Counsyl
Classification: Likely pathogenic for Fanconi anemia complementation group A. Last evaluated: 2017-12-08. Review status: no assertion criteria provided. Collection method: clinical testing. Allele origin: unknown. Not counted in ClinVar's aggregate classification.

Literature cited by the submitters: PubMed 19367192 (cited by Labcorp Genetics (formerly Invitae), Labcorp); PubMed 9371798 (cited by Labcorp Genetics (formerly Invitae), Labcorp and Counsyl).

NM_000135.4(FANCA):c.1944del (p.Glu648fs)

Gene: FANCA (FA complementation group A; minus strand). Cytogenetic location: 16q24.3.
Variant type: Deletion.
Coding change: c.1944del on transcript NM_000135.4 (MANE Select); coding-DNA position 1944, one base deleted (G; older notation c.1944delG).
Protein change: p.Glu648fs; shifts the reading frame from glutamic acid 648.
Molecular consequence: frameshift variant.
Genome position (GRCh38, 1-based): chr16:89,773,341, C deleted on the plus strand (G on the coding strand, the reverse complement: FANCA is on the minus strand). VCF-style (leftmost placement, unchanged base first): chr16-89773340-GC-G. GRCh37 (hg19) VCF-style: chr16-89839748-GC-G.
Other names: NM_000135.2:c.1944del; c.1944del (LRG_495t1); c.1944del, p.Glu648fs (NM_001286167.3); short protein forms E648fs.
Identifiers: ClinVar variation 555461 (VCV000555461.14), dbSNP rs1555549451, ClinGen allele CA658823879.